The following is an entry in ClinVar:

ClinVar aggregate classification (germline): Uncertain significance. Review status: criteria provided, multiple submitters, no conflicts (2 of 4 stars). 4 submissions from 4 submitters: Uncertain significance (4). Last evaluated 2026-06-01.

Conditions:
3M syndrome 2. Also called: 3-M Syndrome, OBSL1-Related; THREE M SYNDROME 2. Identifiers: Orphanet 2616, MedGen C2752041, MONDO:0013039, OMIM 612921.

Allele frequency attached by ClinVar (database versions not stated): ExAC 0.00019; gnomAD 0.00002 and 0.00001; TOPMed 0.00007; 1000 Genomes Project 30x 0.00016; 1000 Genomes Project 0.00020; gnomAD exomes 0.00004 and 0.00013.
gnomAD v4.1: 59 of 1,612,542 alleles (0.0037%); highest among the groups gnomAD compares: East Asian, 0.13%; no homozygotes.

Submissions (4):

Women's Health and Genetics/Laboratory Corporation of America, LabCorp
Classification: Uncertain significance. Last evaluated: 2026-06-01. Review status: criteria provided, single submitter. Criteria: LabCorp Variant Classification Summary - May 2015. Collection method: clinical testing. Allele origin: germline.
Comment: Variant summary: OBSL1 c.3341G>A (p.Trp1114X) results in a premature termination codon, predicted to cause a truncation of the encoded protein or absence of the protein due to nonsense mediated decay, which are commonly known mechanisms for disease. The variant allele was found at a frequency of 0.00013 in 245354 control chromosomes, predominantly at a frequency of 0.0017 within the East Asian subpopulation in the gnomAD database. The observed variant frequency within East Asian control individuals in the gnomAD database exceeds the estimated maximal expected allele frequency for disease-causing variants in OBSL1. c.3341G>A has been observed with other variants in individuals affected with OBSL1-related conditions without clear evidence of causality (Lee_2020, Luo_2024). These reports do not provide unequivocal conclusions about association of the variant with disease. To our knowledge, no experimental evidence demonstrating an impact on protein function has been reported. The following publications have been ascertained in the context of this evaluation (PMID: 33107243, 38576808). ClinVar contains an entry for this variant (Variation ID: 598982). Based on the evidence outlined above, the variant was classified as uncertain significance.

Knight Diagnostic Laboratories, Oregon Health and Sciences University
Classification: Uncertain significance. Last evaluated: 2019-02-22. Review status: criteria provided, single submitter. Criteria: ACMG Guidelines, 2015. Collection method: clinical testing. Allele origin: germline. Observed: 1 variant allele.

Center for Personalized Medicine, Children's Hospital Los Angeles
Classification: Uncertain significance. Last evaluated: 2018-11-19. Review status: criteria provided, single submitter. Criteria: ACMG Guidelines, 2015. Collection method: clinical testing. Allele origin: germline. Affected: yes.

Juno Genomics, Hangzhou Juno Genomics, Inc
Classification: Uncertain significance for 3M syndrome 2. Review status: criteria provided, single submitter. Criteria: ACMG Guidelines, 2015. Collection method: clinical testing. Allele origin: germline. Affected: yes.
Comment: Allele frequency is greater than expected for disorder.;Null variant in a gene where loss of function (LOF) is a known mechanism of disease.

Literature cited by the submitters: PubMed 33107243 (cited by Women's Health and Genetics/Laboratory Corporation of America, LabCorp); PubMed 38576808 (cited by Women's Health and Genetics/Laboratory Corporation of America, LabCorp).

NM_015311.3(OBSL1):c.3341G>A (p.Trp1114Ter)

Gene: OBSL1 (obscurin like cytoskeletal adaptor 1; minus strand). Cytogenetic location: 2q35.
Variant type: single nucleotide variant.
Coding change: c.3341G>A on transcript NM_015311.3 (MANE Select); coding-DNA position 3341, G replaced by A.
Protein change: p.Trp1114Ter; replaces tryptophan 1114 with a stop codon.
Molecular consequence: nonsense.
Genome position (GRCh38, 1-based): chr2:219,558,345, C>T on the plus strand (G>A on the coding strand, the complement: OBSL1 is on the minus strand). VCF-style: chr2-219558345-C-T. GRCh37 (hg19) VCF-style: chr2-220423067-C-T.
Other names: c.3341G>A, p.Trp1114Ter (NM_001173431.2); short protein forms W1114*.
Identifiers: ClinVar variation 598982 (VCV000598982.8), dbSNP rs560246798, ClinGen allele CA2130894.